The following is an entry in ClinVar:

ClinVar aggregate classification (germline): Uncertain significance (1 of 4 stars; one submission).

Conditions:
Retinoblastoma (RB1). Also called: RETINOBLASTOMA, SOMATIC. Identifiers: Orphanet 790, MedGen C0035335, MeSH D012175, MONDO:0008380, OMIM 180200, HP:0009919. Disease mechanism: loss of function. Inheritance: Both sporadic and heritable forms are tested..

Submission:

Labcorp Genetics (formerly Invitae), Labcorp
Classification: Uncertain significance for Retinoblastoma. Last evaluated: 2020-12-30. Review status: criteria provided, single submitter. Criteria: Invitae Variant Classification Sherloc (09022015). Collection method: clinical testing. Allele origin: germline.
Comment: This sequence change replaces valine with isoleucine at codon 368 of the RB1 protein (p.Val368Ile). The valine residue is weakly conserved and there is a small physicochemical difference between valine and isoleucine. This variant is not present in population databases (ExAC no frequency). This variant has been reported in individuals in the Leiden Open-source Variation Database (PMID: 21520333). Algorithms developed to predict the effect of missense changes on protein structure and function (SIFT, PolyPhen-2, Align-GVGD) all suggest that this variant is likely to be tolerated, but these predictions have not been confirmed by published functional studies and their clinical significance is uncertain. In summary, the available evidence is currently insufficient to determine the role of this variant in disease. Therefore, it has been classified as a Variant of Uncertain Significance.

Literature cited by the submitters: PubMed 21520333.

NM_000321.3(RB1):c.1102G>A (p.Val368Ile)

Gene: RB1 (RB transcriptional corepressor 1; plus strand). Cytogenetic location: 13q14.2.
Variant type: single nucleotide variant.
Coding change: c.1102G>A on transcript NM_000321.3 (MANE Select); coding-DNA position 1102, G replaced by A.
Protein change: p.Val368Ile; replaces valine 368 with isoleucine.
Molecular consequence: missense variant.
Genome position (GRCh38, 1-based): chr13:48,368,579, G>A. VCF-style: chr13-48368579-G-A. GRCh37 (hg19) VCF-style: chr13-48942715-G-A.
Other names: short protein forms V368I.
Identifiers: ClinVar variation 1464025 (VCV001464025.8), dbSNP rs1049721, ClinGen allele CA249277019.